The following is an entry in ClinVar:

NM_001378778.1(MPDZ):c.2580dup (p.Ser861fs)

Gene: MPDZ (multiple PDZ domain crumbs cell polarity complex component; minus strand). Cytogenetic location: 9p23.
Variant type: Duplication.
Coding change: c.2580dup on transcript NM_001378778.1 (MANE Select); coding-DNA position 2580, one base duplicated (A; older notation c.2580dupA).
Protein change: p.Ser861fs; shifts the reading frame from serine 861.
Molecular consequence: frameshift variant.
Genome position (GRCh38, 1-based): chr9:13,183,487, T duplicated on the plus strand (A on the coding strand, the reverse complement: MPDZ is on the minus strand). VCF-style (leftmost placement, unchanged base first): chr9-13183486-A-AT. GRCh37 (hg19) VCF-style: chr9-13183485-A-AT.
Other names: c.2580dup, p.Ser861fs (NM_001261406.2, NM_001261407.2, NM_001330637.2 and 14 more transcripts); short protein forms S861fs.
Identifiers: ClinVar variation 2089585 (VCV002089585.4), dbSNP rs2493642739, ClinGen allele CA2580079221.

ClinVar aggregate classification (germline): Pathogenic (1 of 4 stars; one submission).

Allele frequency attached by ClinVar (database versions not stated): gnomAD exomes below 0.00001.

Submission:

Labcorp Genetics (formerly Invitae), Labcorp
Classification: Pathogenic. Last evaluated: 2022-01-26. Review status: criteria provided, single submitter. Criteria: Invitae Variant Classification Sherloc (09022015). Collection method: clinical testing. Allele origin: germline.
Comment: This sequence change creates a premature translational stop signal (p.Ser861Ilefs*9) in the MPDZ gene. It is expected to result in an absent or disrupted protein product. Loss-of-function variants in MPDZ are known to be pathogenic (PMID: 23240096, 28556411). This variant is not present in population databases (gnomAD no frequency). This variant has not been reported in the literature in individuals affected with MPDZ-related conditions. For these reasons, this variant has been classified as Pathogenic.

Literature cited by the submitters: PubMed 23240096; PubMed 28556411.